The following is an entry in ClinVar:

NM_004714.3(DYRK1B):c.1733C>T (p.Pro578Leu)

Gene: DYRK1B (dual specificity tyrosine phosphorylation regulated kinase 1B; minus strand). Cytogenetic location: 19q13.2.
Variant type: single nucleotide variant.
Coding change: c.1733C>T on transcript NM_004714.3 (MANE Select); coding-DNA position 1733, C replaced by T.
Protein change: p.Pro578Leu; replaces proline 578 with leucine.
Molecular consequence: missense variant.
Genome position (GRCh38, 1-based): chr19:39,825,872, G>A on the plus strand (C>T on the coding strand, the complement: DYRK1B is on the minus strand). VCF-style: chr19-39825872-G-A. GRCh37 (hg19) VCF-style: chr19-40316512-G-A.
Other names: c.1613C>T, p.Pro538Leu (NM_006483.3); c.1649C>T, p.Pro550Leu (NM_006484.3); short protein forms P538L, P550L, P578L.
Identifiers: ClinVar variation 3037972 (VCV003037972.3), dbSNP rs148788670, ClinGen allele CA9433934.

ClinVar aggregate classification (germline): Benign. Review status: criteria provided, single submitter (1 of 4 stars). 2 submissions from 2 submitters: Benign (1). 1 of the submissions does not count toward it. Last evaluated 2025-11-29.

Conditions:
DYRK1B-related disorder. Also called: DYRK1B-related condition.

Allele frequency attached by ClinVar (database versions not stated): ExAC 0.00012; 1000 Genomes Project 0.00020; 1000 Genomes Project 30x 0.00031; ESP Exome Variant Server 0.00024.
gnomAD v4.1: 129 of 1,598,564 alleles (0.0081%); highest among the groups gnomAD compares: African/African-American, 0.16%; 1 homozygote.

Submissions (2):

Labcorp Genetics (formerly Invitae), Labcorp
Classification: Benign. Last evaluated: 2025-11-29. Review status: criteria provided, single submitter. Criteria: Invitae Variant Classification Sherloc (09022015). Collection method: clinical testing. Allele origin: germline.

PreventionGenetics, part of Exact Sciences
Classification: Likely benign for DYRK1B-related condition. Last evaluated: 2022-05-04. Review status: no assertion criteria provided. Collection method: clinical testing. Allele origin: germline. Not counted in ClinVar's aggregate classification.
Comment: This variant is classified as likely benign based on ACMG/AMP sequence variant interpretation guidelines (Richards et al. 2015 PMID: 25741868, with internal and published modifications).